The following is an entry in ClinVar:

ClinVar aggregate classification (germline): Benign/Likely benign. Review status: criteria provided, multiple submitters, no conflicts (2 of 4 stars). 2 submissions from 2 submitters: Benign (1); Likely benign (1). Last evaluated 2026-09-18.

Conditions:
Colorectal cancer, hereditary nonpolyposis, type 7. Identifiers: Orphanet 144, MedGen C1858380, MONDO:0013725, OMIM 614385.

gnomAD v4.1: 1 of 1,614,210 alleles (0.000062%); highest among the groups gnomAD compares: Non-Finnish European, 0.000085%; no homozygotes.

Submissions (2):

Myriad Genetics, Inc.
Classification: Benign for Colorectal cancer, hereditary nonpolyposis, type 7. Last evaluated: 2026-09-18. Review status: criteria provided, single submitter. Criteria: Myriad Autosomal Dominant, Autosomal Recessive and X-Linked Classification Criteria (2023). Collection method: clinical testing. Allele origin: unknown.
Comment: This variant is considered benign. This variant is a silent/synonymous amino acid change and it is not expected to impact splicing.

Ambry Genetics
Classification: Likely benign. Last evaluated: 2026-01-11. Review status: criteria provided, single submitter. Criteria: Ambry Variant Classification Scheme 2023. Collection method: clinical testing. Allele origin: germline.

NM_001040108.2(MLH3):c.2628A>G (p.Lys876=)

Gene: MLH3 (mutL homolog 3; minus strand). Cytogenetic location: 14q24.3.
Variant type: single nucleotide variant.
Coding change: c.2628A>G on transcript NM_001040108.2 (MANE Select); coding-DNA position 2628, A replaced by G.
Protein change: p.Lys876=; no amino-acid change (lysine 876 retained).
Molecular consequence: synonymous variant.
Genome position (GRCh38, 1-based): chr14:75,047,028, T>C on the plus strand (A>G on the coding strand, the complement: MLH3 is on the minus strand). VCF-style: chr14-75047028-T-C. GRCh37 (hg19) VCF-style: chr14-75513731-T-C.
Other names: c.2628A>G, p.Lys876= (NM_014381.3).
Identifiers: ClinVar variation 4841840 (VCV004841840.2).